The following is an entry in ClinVar:

ClinVar aggregate classification (germline): Likely pathogenic (1 of 4 stars; one submission).

Conditions:
Aland island eye disease (AIED). Also called: Forsius Eriksson type ocular albinism. Identifiers: Orphanet 178333, MedGen C0268505, MONDO:0010371, OMIM 300600.
Congenital stationary night blindness 2A (CSNB2A). Also called: NIGHT BLINDNESS, CONGENITAL STATIONARY, TYPE 2; Night blindness, congenital stationary (incomplete), 2A, X-linked; CACNA1F-Related X-Linked Congenital Stationary Night Blindness; CSNB, INCOMPLETE, X-LINKED. Identifiers: Orphanet 215, MedGen C1848172, MONDO:0010241, OMIM 300071.
X-linked cone-rod dystrophy 3 (CORDX3). Identifiers: Orphanet 1872, MedGen C1845407, MONDO:0010335, OMIM 300476.

Submission:

Juno Genomics, Hangzhou Juno Genomics, Inc
Classification: Likely pathogenic for Aland island eye disease; X-linked cone-rod dystrophy 3; Congenital stationary night blindness 2A. Review status: criteria provided, single submitter. Criteria: ACMG Guidelines, 2015. Collection method: clinical testing. Allele origin: germline.
Comment: Null variant in a gene where loss of function (LOF) is a known mechanism of disease.;Absent from controls (or at extremely low frequency if recessive) in Genome Aggregation Database.

NM_001256789.3(CACNA1F):c.2921_2928+1del

Gene: CACNA1F (calcium voltage-gated channel subunit alpha1 F; minus strand). Cytogenetic location: Xp11.23.
Variant type: Deletion.
Coding change: c.2921_2928+1del on transcript NM_001256789.3 (MANE Select); coding-DNA position 2921 through the canonical splice donor site of the intron after coding-DNA position 2928, 9 bases deleted (GACTCAAGG; older notation c.2921_2928+1delGACTCAAGG).
Molecular consequence: splice donor variant.
Genome position (GRCh38, 1-based): chrX:49,218,454-49,218,462, CCTTGAGTC deleted on the plus strand (GACTCAAGG on the coding strand, the reverse complement: CACNA1F is on the minus strand); deleting any 9 consecutive bases within chrX:49,218,454-49,218,467 gives the same sequence; the c. name uses the placement nearest the transcript's 3' end. VCF-style (leftmost placement, unchanged base first): chrX-49218453-ACCTTGAGTC-A. GRCh37 (hg19) VCF-style: chrX-49074912-ACCTTGAGTC-A.
Other names: c.2954_2961+1del (NM_005183.4); c.2759_2766+1del (NM_001256790.3).
Identifiers: ClinVar variation 5007571 (VCV005007571.2).